The following is an entry in ClinVar:

ClinVar aggregate classification (germline): Uncertain significance (1 of 4 stars; one submission).

Conditions:
Rhabdoid tumor predisposition syndrome 2 (RTPS2). Identifiers: Orphanet 231108, Orphanet 69077, MedGen C2750074, MONDO:0013224, OMIM 613325.

gnomAD v4.1: 1 of 1,603,972 alleles (0.000062%); no homozygotes.

Submission:

Labcorp Genetics (formerly Invitae), Labcorp
Classification: Uncertain significance for Rhabdoid tumor predisposition syndrome 2. Last evaluated: 2024-06-05. Review status: criteria provided, single submitter. Criteria: Invitae Variant Classification Sherloc (09022015). Collection method: clinical testing. Allele origin: germline.
Comment: This sequence change falls in intron 30 of the SMARCA4 gene. It does not directly change the encoded amino acid sequence of the SMARCA4 protein. This variant is not present in population databases (gnomAD no frequency). This variant has not been reported in the literature in individuals affected with SMARCA4-related conditions. Algorithms developed to predict the effect of sequence changes on RNA splicing suggest that this variant may disrupt the consensus splice site. In summary, the available evidence is currently insufficient to determine the role of this variant in disease. Therefore, it has been classified as a Variant of Uncertain Significance.

NM_003072.5(SMARCA4):c.4171-12T>C

Gene: SMARCA4 (SWI/SNF related BAF chromatin remodeling complex subunit ATPase 4; plus strand). Cytogenetic location: 19p13.2.
Variant type: single nucleotide variant.
Coding change: c.4171-12T>C on transcript NM_003072.5 (MANE Select); 12 bases into the intron before coding-DNA position 4171, T replaced by C.
Molecular consequence: intron variant.
Genome position (GRCh38, 1-based): chr19:11,041,295, T>C. VCF-style: chr19-11041295-T-C. GRCh37 (hg19) VCF-style: chr19-11151971-T-C.
Other names: c.4171-12T>C (NM_001128844.3); c.4267-12T>C (NM_001128849.3, NM_001387283.1); c.4072-12T>C (NM_001128847.4, NM_001374457.1, NM_001128848.2); c.4168-12T>C (NM_001411150.1); c.4072-3T>C (NM_001128845.2, NM_001128846.2).
Identifiers: ClinVar variation 3655606 (VCV003655606.2).
Genomic context (GRCh38, chr19:11,041,295, plus strand): 5'-GGGATTGCGTCGCGGCCTCTGCTTGTCGACCTGGGTGCTGGCTGTCCTATTTTACTACTA[T>C]TGACCCTGAAGGCCATCGAGGAGGGCACGCTGGAGGAGATCGAAGAGGAGGTCCGGCAGA-3'